The following is an entry in ClinVar:

ClinVar aggregate classification (germline): Likely benign. Review status: criteria provided, multiple submitters, no conflicts (2 of 4 stars). 2 submissions from 2 submitters: Likely benign (2). Last evaluated 2026-06-11.

Conditions:
Leukocyte adhesion deficiency 3. Also called: INTEGRIN ACTIVATION DEFICIENCY DISEASE; LEUKOCYTE ADHESION DEFICIENCY 1 VARIANT; Leukocyte adhesion deficiency, type III. Identifiers: Orphanet 2968, Orphanet 99844, MedGen C2748536, MONDO:0013016, OMIM 612840.

Allele frequency attached by ClinVar (database versions not stated): 1000 Genomes Project 0.00060; 1000 Genomes Project 30x 0.00078; gnomAD exomes 0.00020 and 0.00037; ExAC 0.00038; gnomAD 0.00001 and 0.00009.
gnomAD v4.1: 298 of 1,612,290 alleles (0.018%); highest among the groups gnomAD compares: South Asian, 0.33%; 6 homozygotes.

Submissions (2):

Women's Health and Genetics/Laboratory Corporation of America, LabCorp
Classification: Likely benign. Last evaluated: 2026-06-11. Review status: criteria provided, single submitter. Criteria: LabCorp Variant Classification Summary - May 2015. Collection method: clinical testing. Allele origin: germline.
Comment: Variant summary: FERMT3 c.144G>T (p.Lys48Asn) results in a non-conservative amino acid change in the encoded protein sequence. Algorithms developed to predict the effect of missense changes on protein structure and function are either unavailable or do not agree on the potential impact of this missense change. The variant allele was found at a frequency of 0.00037 in 248858 control chromosomes, predominantly at a frequency of 0.003 within the South Asian subpopulation in the gnomAD database, including 1 homozygote. The observed variant frequency within South Asian control individuals in the gnomAD database exceeds the estimated maximal expected allele frequency for disease-causing variants in FERMT3. To our knowledge, no occurrence of c.144G>T in individuals affected with FERMT3-related conditions and no experimental evidence demonstrating its impact on protein function have been reported. ClinVar contains an entry for this variant (Variation ID: 1090763). Based on the evidence outlined above, the variant was classified as likely benign.

Labcorp Genetics (formerly Invitae), Labcorp
Classification: Likely benign for Leukocyte adhesion deficiency 3. Last evaluated: 2026-01-06. Review status: criteria provided, single submitter. Criteria: Invitae Variant Classification Sherloc (09022015). Collection method: clinical testing. Allele origin: germline.

NM_031471.6(FERMT3):c.144G>T (p.Lys48Asn)

Gene: FERMT3 (FERM domain containing kindlin 3; plus strand). Cytogenetic location: 11q13.1.
Variant type: single nucleotide variant.
Coding change: c.144G>T on transcript NM_031471.6 (MANE Select); coding-DNA position 144, G replaced by T.
Protein change: p.Lys48Asn; replaces lysine 48 with asparagine.
Molecular consequence: missense variant.
Genome position (GRCh38, 1-based): chr11:64,207,508, G>T. VCF-style: chr11-64207508-G-T. GRCh37 (hg19) VCF-style: chr11-63974980-G-T.
Other names: c.144G>T, p.Lys48Asn (NM_001382361.1, NM_001382362.1, NM_001382448.1 and 1 more transcripts); short protein forms K48N.
Identifiers: ClinVar variation 1090763 (VCV001090763.10), dbSNP rs369062120, ClinGen allele CA6068649.